The following is an entry in ClinVar:

NM_001163735.2(MYO19):c.2904G>C (p.Gly968=)

Genes: MYO19 (myosin XIX; minus strand), ZNHIT3 (zinc finger HIT-type containing 3; plus strand). Cytogenetic location: 17q12.
Variant type: single nucleotide variant.
Coding change: c.2904G>C on transcript NM_001163735.2 (MANE Select); coding-DNA position 2904, G replaced by C.
Protein change: p.Gly968=; no amino-acid change (glycine 968 retained).
Molecular consequence: synonymous variant. On other transcripts: intron variant (1).
Genome position (GRCh38, 1-based): chr17:36,496,260, C>G on the plus strand (G>C on the coding strand, the complement: MYO19 is on the minus strand). VCF-style: chr17-36496260-C-G. GRCh37 (hg19) VCF-style: chr17-34852104-C-G.
Other names: c.2304G>C, p.Gly768= (NM_025109.6); c.287-1346C>G (NM_001281432.2).
Identifiers: ClinVar variation 5038635 (VCV005038635.1).

ClinVar aggregate classification (germline): Likely benign (1 of 4 stars; one submission).

gnomAD v4.1: 1,066 of 1,613,962 alleles (0.066%); highest among the groups gnomAD compares: Middle Eastern, 0.099%; no homozygotes.

Submission:

CeGaT Center for Human Genetics Tuebingen
Classification: Likely benign. Last evaluated: 2026-07-01. Review status: criteria provided, single submitter. Criteria: CeGaT Center For Human Genetics Tuebingen Variant Classification Criteria Version 2. Collection method: clinical testing. Allele origin: germline. Affected: yes. Observed: 1 variant allele.
Comment: MYO19: BP4, BP7